The following is an entry in ClinVar:

NM_001378418.1(TCF20):c.2510C>G (p.Thr837Ser)

Gene: TCF20 (transcription factor 20; minus strand). Cytogenetic location: 22q13.2.
Variant type: single nucleotide variant.
Coding change: c.2510C>G on transcript NM_001378418.1 (MANE Select); coding-DNA position 2510, C replaced by G.
Protein change: p.Thr837Ser; replaces threonine 837 with serine.
Molecular consequence: missense variant.
Genome position (GRCh38, 1-based): chr22:42,212,796, G>C on the plus strand (C>G on the coding strand, the complement: TCF20 is on the minus strand). VCF-style: chr22-42212796-G-C. GRCh37 (hg19) VCF-style: chr22-42608802-G-C.
Other names: c.2510C>G, p.Thr837Ser (NM_005650.4, NM_181492.3); short protein forms T837S.
Identifiers: ClinVar variation 2912880 (VCV002912880.3), dbSNP rs1921143001, ClinGen allele CA411788488.

ClinVar aggregate classification (germline): Uncertain significance (1 of 4 stars; one submission).

Submission:

Labcorp Genetics (formerly Invitae), Labcorp
Classification: Uncertain significance. Last evaluated: 2023-07-17. Review status: criteria provided, single submitter. Criteria: Invitae Variant Classification Sherloc (09022015). Collection method: clinical testing. Allele origin: germline.
Comment: In summary, the available evidence is currently insufficient to determine the role of this variant in disease. Therefore, it has been classified as a Variant of Uncertain Significance. Algorithms developed to predict the effect of missense changes on protein structure and function output the following: SIFT: "Not Available"; PolyPhen-2: "Benign"; Align-GVGD: "Not Available". The serine amino acid residue is found in multiple mammalian species, which suggests that this missense change does not adversely affect protein function. This variant has not been reported in the literature in individuals affected with TCF20-related conditions. This variant is not present in population databases (gnomAD no frequency). This sequence change replaces threonine, which is neutral and polar, with serine, which is neutral and polar, at codon 837 of the TCF20 protein (p.Thr837Ser).